The following is an entry in ClinVar:

ClinVar aggregate classification (germline): Conflicting classifications of pathogenicity. Review status: criteria provided, conflicting classifications (1 of 4 stars). 2 submissions from 2 submitters: Uncertain significance (1); Likely benign (1). Last evaluated 2025-03-15.

gnomAD v4.1: 7 of 1,613,102 alleles (0.00043%); highest among the groups gnomAD compares: Admixed American, 0.0033%; no homozygotes.

Submissions (2):

GeneDx
Classification: Uncertain significance. Last evaluated: 2025-03-15. Review status: criteria provided, single submitter. Criteria: GeneDx Variant Classification Process June 2021. Collection method: clinical testing. Allele origin: germline. Affected: yes.
Comment: Not observed at significant frequency in large population cohorts (gnomAD); Missense variant in a gene in which most reported pathogenic variants are truncating/loss of function; Has not been previously published as pathogenic or benign to our knowledge

Blueprint Genetics
Classification: Likely benign. Last evaluated: 2022-02-16. Review status: criteria provided, single submitter. Criteria: ACMG Guidelines, 2015. Collection method: clinical testing. Allele origin: germline.

NM_001267550.2(TTN):c.23980G>A (p.Val7994Met)

Gene: TTN (titin; minus strand). Cytogenetic location: 2q31.2.
Variant type: single nucleotide variant.
Coding change: c.23980G>A on transcript NM_001267550.2 (MANE Select); coding-DNA position 23980, G replaced by A.
Protein change: p.Val7994Met; replaces valine 7994 with methionine.
Molecular consequence: missense variant. On other transcripts: intron variant (3).
Genome position (GRCh38, 1-based): chr2:178,719,410, C>T on the plus strand (G>A on the coding strand, the complement: TTN is on the minus strand). VCF-style: chr2-178719410-C-T. GRCh37 (hg19) VCF-style: chr2-179584137-C-T.
Other names: c.23029G>A, p.Val7677Met (NM_001256850.1); c.20248G>A, p.Val6750Met (NM_133378.4); c.13282+18672G>A (NM_003319.4); c.13858+18672G>A (NM_133437.4); c.13657+18672G>A (NM_133432.3); short protein forms V6750M, V7677M, V7994M.
Identifiers: ClinVar variation 4083378 (VCV004083378.2).
Genomic context (GRCh38, chr2:178,719,410, plus strand): 5'-TCGGGGCTGAGCCAGAGACTCGGCACTCCAAAACAACTGAGGCCCCCAGGATGGCATTCA[C>T]GTCTTTCAGCTTGCGGATGAAGGAAGGAGGCACAATCCGATCTATGTGGGGAAGGGTAGT-3'
Protein context (NP_001254479.2, residues 7984-8004): PPSFIRKLKD[Val7994Met]NAILGASVVL